The following is an entry in ClinVar:

NM_001142800.2(EYS):c.3581_3582del (p.His1194fs)

Gene: EYS (EGF-like photoreceptor maintenance factor; minus strand). Cytogenetic location: 6q12.
Variant type: Microsatellite.
Coding change: c.3581_3582del on transcript NM_001142800.2 (MANE Select); coding-DNA positions 3581 to 3582, 2 bases deleted (AC; older notation c.3581_3582delAC).
Protein change: p.His1194fs; shifts the reading frame from histidine 1194.
Molecular consequence: frameshift variant.
Genome position (GRCh38, 1-based): chr6:64,617,520-64,617,521, GT deleted on the plus strand (AC on the coding strand, the reverse complement: EYS is on the minus strand); deleting any 2 consecutive bases within chr6:64,617,520-64,617,523 gives the same sequence; the c. name uses the placement nearest the transcript's 3' end. VCF-style (leftmost placement, unchanged base first): chr6-64617519-GGT-G. GRCh37 (hg19) VCF-style: chr6-65327412-GGT-G.
Other names: c.3581_3582del, p.His1194fs (NM_001292009.2); short protein forms H1194fs.
Identifiers: ClinVar variation 866439 (VCV000866439.9), dbSNP rs1767312015, ClinGen allele CA916082861.

ClinVar aggregate classification (germline): Pathogenic. Review status: criteria provided, multiple submitters, no conflicts (2 of 4 stars). 2 submissions from 2 submitters: Pathogenic (2). Last evaluated 2024-02-28.

Conditions:
EYS-related disorder. Also called: EYS-related condition.

Submissions (2):

Blueprint Genetics
Classification: Pathogenic for EYS-related disorders. Last evaluated: 2024-02-28. Review status: criteria provided, single submitter. Criteria: ACMG Guidelines, 2015. Collection method: clinical testing. Allele origin: germline. Affected: yes. Observed: 3 variant alleles.

Labcorp Genetics (formerly Invitae), Labcorp
Classification: Pathogenic. Last evaluated: 2024-02-18. Review status: criteria provided, single submitter. Criteria: Invitae Variant Classification Sherloc (09022015). Collection method: clinical testing. Allele origin: germline.
Comment: This sequence change creates a premature translational stop signal (p.His1194Profs*3) in the EYS gene. It is expected to result in an absent or disrupted protein product. Loss-of-function variants in EYS are known to be pathogenic (PMID: 18836446, 20333770). This variant is not present in population databases (gnomAD no frequency). This variant has not been reported in the literature in individuals affected with EYS-related conditions. ClinVar contains an entry for this variant (Variation ID: 866439). For these reasons, this variant has been classified as Pathogenic.

Literature cited by the submitters: PubMed 18836446 (cited by Labcorp Genetics (formerly Invitae), Labcorp); PubMed 20333770 (cited by Labcorp Genetics (formerly Invitae), Labcorp).